The following is an entry in ClinVar:

ClinVar aggregate classification (germline): Uncertain significance. Review status: criteria provided, multiple submitters, no conflicts (2 of 4 stars). 5 submissions from 2 submitters: Uncertain significance (5). Last evaluated 2024-01-17.

Conditions:
Dilated cardiomyopathy 2A (CMD2A). Also called: CARDIOMYOPATHY, CONGESTIVE, AUTOSOMAL RECESSIVE; CARDIOMYOPATHY, DILATED, AUTOSOMAL RECESSIVE. Identifiers: Orphanet 154, MedGen C2678474, MONDO:0012746, OMIM 611880.
Hypertrophic cardiomyopathy 7. Also called: CARDIOMYOPATHY, FAMILIAL HYPERTROPHIC, 7, MODIFIER OF; TNNI3-Related Familial Hypertrophic Cardiomyopathy; Familial hypertrophic cardiomyopathy 7. Identifiers: MedGen C1860752, MONDO:0013369, OMIM 613690.
Cardiomyopathy, familial restrictive, 1. Identifiers: Orphanet 75249, MedGen C1861861, MONDO:0007270, OMIM 115210.
Primary ciliary dyskinesia. Also called: Ciliary dyskinesia. Identifiers: Orphanet 244, MedGen C0008780, MONDO:0016575, HP:0012265.
Familial Hypertrophic Cardiomyopathy with Wolff-Parkinson-White Syndrome. Identifiers: MedGen CN239247.

Allele frequency attached by ClinVar (database versions not stated): ExAC below 0.00001; TOPMed 0.00002; gnomAD 0.00001.
gnomAD v4.1: 59 of 1,436,048 alleles (0.0041%); highest among the groups gnomAD compares: Non-Finnish European, 0.0051%; no homozygotes.

Submissions (5):

Ambry Genetics
Classification: Uncertain significance for Primary ciliary dyskinesia. Last evaluated: 2024-01-17. Review status: criteria provided, single submitter. Criteria: Ambry Variant Classification Scheme 2023. Collection method: clinical testing. Allele origin: germline.
Comment: The p.R230S variant (also known as c.688C>A), located in coding exon 6 of the DNAAF3 gene, results from a C to A substitution at nucleotide position 688. The arginine at codon 230 is replaced by serine, an amino acid with dissimilar properties. This amino acid position is well conserved in available vertebrate species. In addition, the in silico prediction for this alteration is inconclusive. Since supporting evidence is limited at this time, the clinical significance of this alteration remains unclear.

Illumina Laboratory Services, Illumina
Classification: Uncertain significance for Hypertrophic cardiomyopathy 7. Last evaluated: 2018-01-13. Review status: criteria provided, single submitter. Criteria: ICSL Variant Classification Criteria 13 December 2019. Collection method: clinical testing. Allele origin: germline.

Illumina Laboratory Services, Illumina
Classification: Uncertain significance for Cardiomyopathy, familial restrictive, 1. Last evaluated: 2018-01-13. Review status: criteria provided, single submitter. Criteria: ICSL Variant Classification Criteria 13 December 2019. Collection method: clinical testing. Allele origin: germline.

Illumina Laboratory Services, Illumina
Classification: Uncertain significance for Dilated cardiomyopathy 2A. Last evaluated: 2018-01-13. Review status: criteria provided, single submitter. Criteria: ICSL Variant Classification Criteria 13 December 2019. Collection method: clinical testing. Allele origin: germline.

Illumina Laboratory Services, Illumina
Classification: Uncertain significance for Familial Hypertrophic Cardiomyopathy with Wolff-Parkinson-White Syndrome. Last evaluated: 2018-01-13. Review status: criteria provided, single submitter. Criteria: ICSL Variant Classification Criteria 13 December 2019. Collection method: clinical testing. Allele origin: germline.

NM_001256715.2(DNAAF3):c.484C>A (p.Arg162Ser)

Genes: DNAAF3 (dynein axonemal assembly factor 3; minus strand), DNAAF3-AS1 (DNAAF3 antisense RNA 1; plus strand), TNNI3 (troponin I3, cardiac type; minus strand). Cytogenetic location: 19q13.42.
Variant type: single nucleotide variant.
Coding change: c.484C>A on transcript NM_001256715.2 (MANE Select); coding-DNA position 484, C replaced by A.
Protein change: p.Arg162Ser; replaces arginine 162 with serine.
Molecular consequence: missense variant.
Genome position (GRCh38, 1-based): chr19:55,161,822, G>T on the plus strand (C>A on the coding strand, the complement: DNAAF3 is on the minus strand). VCF-style: chr19-55161822-G-T. GRCh37 (hg19) VCF-style: chr19-55673190-G-T.
Other names: c.322C>A, p.Arg108Ser (NM_001256716.2); c.625C>A, p.Arg209Ser (NM_178837.4); c.688C>A, p.Arg230Ser (NM_001256714.1); short protein forms R108S, R162S, R209S, R230S.
Identifiers: ClinVar variation 894094 (VCV000894094.8), dbSNP rs760391305, ClinGen allele CA9668137.
Genomic context (GRCh38, chr19:55,161,822, plus strand): 5'-GGGGCCCTTTCTCGCCGCCAGCCCAGAAGCGGAATACGGCCTCCAGGGCATCCCGCTCGC[G>T]GAACTGCGGGGCCAGGCACGCGGTGGGACAGAGGAAGGCAGAGAGGGATGCAGGGAGAGC-3'
Protein context (NP_001243644.1, residues 152-172): PWLSLRALKF[Arg162Ser]ERDALEAVFR